The following is an entry in ClinVar:

ClinVar aggregate classification (germline): Conflicting classifications of pathogenicity. Review status: criteria provided, conflicting classifications (1 of 4 stars). 10 submissions from 10 submitters: Uncertain significance (8); Likely benign (2). Last evaluated 2026-01-05.

Conditions:
Hereditary cancer-predisposing syndrome. Also called: Tumor predisposition; Hereditary Cancer Syndrome; Neoplastic Syndromes, Hereditary; Hereditary neoplastic syndrome. Identifiers: Orphanet 140162, MedGen C0027672, MeSH D009386, MONDO:0015356.
Inborn genetic diseases. Identifiers: MedGen C0950123, MeSH D030342.
Baller-Gerold syndrome (BGS). Also called: CRANIOSYNOSTOSIS WITH RADIAL DEFECTS. Identifiers: Orphanet 1225, MedGen C0265308, MONDO:0009039, OMIM 218600.
Rothmund-Thomson syndrome (RTS). Also called: Poikiloderma Congenitale; Poikiloderma of Rothmund-Thomson. Identifiers: Orphanet 2909, MedGen C0032339, MONDO:0010002.

Allele frequency attached by ClinVar (database versions not stated): 1000 Genomes Project 30x 0.00031; TOPMed 0.00051.
gnomAD v4.1: 649 of 1,611,634 alleles (0.04%); highest among the groups gnomAD compares: Non-Finnish European, 0.049%; no homozygotes.

Submissions (10):

Labcorp Genetics (formerly Invitae), Labcorp
Classification: Uncertain significance for Baller-Gerold syndrome. Last evaluated: 2026-01-05. Review status: criteria provided, single submitter. Criteria: Invitae Variant Classification Sherloc (09022015). Collection method: clinical testing. Allele origin: germline.
Comment: This sequence change replaces serine, which is neutral and polar, with threonine, which is neutral and polar, at codon 523 of the RECQL4 protein (p.Ser523Thr). This variant is present in population databases (rs754735053, gnomAD 0.05%). This missense change has been observed in cis with c.1573del (p.Cys525Alafs*33) in individual(s) with RAPADILINO, Baller-Gerold syndrome, and Rothmund–Thomson syndrome (PMID: 12838562, 15964893, 27247962, 29367366, 29642415). This variant has not been reported in isolation in the literature in individuals affected with RECQL4-related conditions. This variant is also known as g.2881G>C. ClinVar contains an entry for this variant (Variation ID: 259258). Invitae Evidence Modeling of protein sequence and biophysical properties (such as structural, functional, and spatial information, amino acid conservation, physicochemical variation, residue mobility, and thermodynamic stability) indicates that this missense variant is not expected to disrupt RECQL4 protein function with a negative predictive value of 80%. In summary, the available evidence is currently insufficient to determine the role of this variant in disease. Therefore, it has been classified as a Variant of Uncertain Significance.

Mayo Clinic Laboratories, Mayo Clinic
Classification: Uncertain significance. Last evaluated: 2025-10-23. Review status: criteria provided, single submitter. Criteria: ACMG Guidelines, 2015. Collection method: clinical testing. Allele origin: germline. Observed: 1 variant allele.

Dasa
Classification: Uncertain significance. Last evaluated: 2025-04-14. Review status: criteria provided, single submitter. Criteria: DASA Assertion Criteria. Collection method: clinical testing. Allele origin: germline.
Comment: NM_004260.4(RECQL4):c.1568G>C (p.Ser523Thr) is a missense variant that results in the substitution of serine with threonine. This variant has been observed in affected individuals with RECQL4-related disorders. Also, this variant is rare in population databases. The currently available literature and clinical evidence are not sufficient to establish a definitive association between this variant and the reported condition. Therefore, this variant is classified as a variant of uncertain significance.

Blueprint Genetics
Classification: Uncertain significance. Last evaluated: 2024-09-06. Review status: criteria provided, single submitter. Criteria: ACMG Guidelines, 2015. Collection method: clinical testing. Allele origin: germline.

Genetic Services Laboratory, University of Chicago
Classification: Uncertain significance. Last evaluated: 2024-04-23. Review status: criteria provided, single submitter. Criteria: ACMG Guidelines, 2015. Collection method: clinical testing. Allele origin: germline. Affected: no.
Comment: DNA sequence analysis of the RECQL4 gene demonstrated a sequence change, c.1568G>C, in exon 9 that results in an amino acid change, p.Ser523Thr. This sequence change does not appear to have been previously described in individuals with RECQL4-related disorders. This sequence change has been described in the gnomAD database with a frequency of 0.025% in the overall population (dbSNP rs754735053). The p.Ser523Thr change affects a moderately conserved amino acid residue located in a domain of the RECQL4 protein that is known to be functional. In-silico pathogenicity prediction tools (SIFT, PolyPhen2, Align GVGD, REVEL) provide contradictory results for the p.Ser523Thr substitution. Due to insufficient evidences and the lack of functional studies, the clinical significance of the p.Ser523Thr change remains unknown at this time.

CeGaT Center for Human Genetics Tuebingen
Classification: Likely benign. Last evaluated: 2022-11-01. Review status: criteria provided, single submitter. Criteria: CeGaT Center For Human Genetics Tuebingen Variant Classification Criteria Version 2. Collection method: clinical testing. Allele origin: germline. Affected: yes. Observed: 4 variant alleles.
Comment: RECQL4: BP2, BP4

Sema4
Classification: Uncertain significance for Hereditary cancer-predisposing syndrome. Last evaluated: 2021-07-30. Review status: criteria provided, single submitter. Criteria: Sema4 Curation Guidelines. Collection method: curation. Allele origin: germline.
Comment: The RECQL4 c.1568G>C (p.S523T) variant has been reported as a complex allele in cis with in c.1573delT, p.C525Afs*33, in at least 5 individuals with Rothmund-Thomson syndrome and Baller-Gerold syndrome (PMID 29642415, 29367366, 27247962, 12838562,15964893). This variant was observed in 55/125416 chromosomes in the Non-Finnish European population, according to the Genome Aggregation Database (PMID: 32461654). This variant has been reported in ClinVar (Variation ID 259258). In silico tools suggest the impact of the variant on protein function is benign, though these predictions have not been confirmed by functional studies. The complex allele c.[1568G>C;1573delT] p.[p.Ser523Thr;Cys525Alafs*33] is pathogenic, however the clinical significance of c.1568G>C (p.S523T) variant in isolation is not clear. In summary, the clinical significance of this variant is currently uncertain.

Ambry Genetics
Classification: Uncertain significance for Inborn genetic diseases. Last evaluated: 2021-05-21. Review status: criteria provided, single submitter. Criteria: Ambry Variant Classification Scheme 2023. Collection method: clinical testing. Allele origin: germline.

St. Jude Molecular Pathology, St. Jude Children's Research Hospital
Classification: Uncertain significance for Rothmund-Thomson syndrome. Last evaluated: 2020-08-19. Review status: criteria provided, single submitter. Criteria: St. Jude Assertion Criteria 2020. Collection method: clinical testing. Allele origin: germline.

PreventionGenetics, part of Exact Sciences
Classification: Likely benign. Review status: criteria provided, single submitter. Criteria: ACMG Guidelines, 2015. Collection method: clinical testing. Allele origin: germline.

Literature cited by the submitters: PubMed 12838562 (cited by Labcorp Genetics (formerly Invitae), Labcorp and Sema4); PubMed 15964893 (cited by Labcorp Genetics (formerly Invitae), Labcorp and Sema4); PubMed 27247962 (cited by Labcorp Genetics (formerly Invitae), Labcorp and Sema4); PubMed 29367366 (cited by Labcorp Genetics (formerly Invitae), Labcorp and Sema4); PubMed 29642415 (cited by Labcorp Genetics (formerly Invitae), Labcorp and Sema4).

NM_004260.4(RECQL4):c.1568G>C (p.Ser523Thr)

Gene: RECQL4 (RecQ like helicase 4; minus strand). Cytogenetic location: 8q24.3.
Variant type: single nucleotide variant.
Coding change: c.1568G>C on transcript NM_004260.4 (MANE Select); coding-DNA position 1568, G replaced by C.
Protein change: p.Ser523Thr; replaces serine 523 with threonine.
Molecular consequence: missense variant.
Genome position (GRCh38, 1-based): chr8:144,514,988, C>G on the plus strand (G>C on the coding strand, the complement: RECQL4 is on the minus strand). VCF-style: chr8-144514988-C-G. GRCh37 (hg19) VCF-style: chr8-145740372-C-G.
Other names: p.Ser523Thr; short protein forms S523T.
Identifiers: ClinVar variation 259258 (VCV000259258.46), dbSNP rs754735053, ClinGen allele CA4948798.